The following is an entry in ClinVar:

NM_024422.6(DSC2):c.1166G>A (p.Trp389Ter)

Gene: DSC2 (desmocollin 2; minus strand). Cytogenetic location: 18q12.1.
Variant type: single nucleotide variant.
Coding change: c.1166G>A on transcript NM_024422.6 (MANE Select); coding-DNA position 1166, G replaced by A.
Protein change: p.Trp389Ter; replaces tryptophan 389 with a stop codon.
Molecular consequence: nonsense.
Genome position (GRCh38, 1-based): chr18:31,082,335, C>T on the plus strand (G>A on the coding strand, the complement: DSC2 is on the minus strand). VCF-style: chr18-31082335-C-T. GRCh37 (hg19) VCF-style: chr18-28662301-C-T.
Other names: c.737G>A, p.Trp246Ter (NM_001406507.1, NM_001406506.1); c.1166G>A, p.Trp389Ter (NM_004949.5); short protein forms W389*, W246*.
Identifiers: ClinVar variation 4613997 (VCV004613997.1).

ClinVar aggregate classification (germline): Pathogenic (1 of 4 stars; one submission).

Conditions:
Cardiovascular phenotype. Identifiers: MedGen CN230736.

Submission:

Ambry Genetics
Classification: Pathogenic for Cardiovascular phenotype. Last evaluated: 2025-10-22. Review status: criteria provided, single submitter. Criteria: Ambry Variant Classification Scheme 2023. Collection method: clinical testing. Allele origin: germline.
Comment: The p.W389* pathogenic mutation (also known as c.1166G>A), located in coding exon 9 of the DSC2 gene, results from a G to A substitution at nucleotide position 1166. This changes the amino acid from a tryptophan to a stop codon within coding exon 9. This variant is considered to be rare based on population cohorts in the Genome Aggregation Database (gnomAD). This alteration is expected to result in loss of function by premature protein truncation or nonsense-mediated mRNA decay. As such, this alteration is interpreted as a disease-causing mutation.